The following is an entry in ClinVar:

ClinVar aggregate classification (germline): Pathogenic. Review status: criteria provided, multiple submitters, no conflicts (2 of 4 stars). 3 submissions from 3 submitters: Pathogenic (3). Last evaluated 2024-05-22.

Conditions:
Hereditary cancer-predisposing syndrome. Also called: Neoplastic Syndromes, Hereditary; Tumor predisposition; Hereditary Cancer Syndrome; Hereditary neoplastic syndrome. Identifiers: Orphanet 140162, MedGen C0027672, MeSH D009386, MONDO:0015356.
Gorlin syndrome. Also called: Basal cell nevus syndrome; Nevoid Basal Cell Carcinoma Syndrome. Identifiers: Orphanet 377, MedGen C0004779, MONDO:0007187.
PTCH1-related disorder. Also called: PTCH1-related disorders; PTCH1-related condition.

Submissions (3):

Labcorp Genetics (formerly Invitae), Labcorp
Classification: Pathogenic for Gorlin syndrome. Last evaluated: 2024-05-22. Review status: criteria provided, single submitter. Criteria: Invitae Variant Classification Sherloc (09022015). Collection method: clinical testing. Allele origin: germline.
Comment: This sequence change creates a premature translational stop signal (p.Met1122Valfs*22) in the PTCH1 gene. It is expected to result in an absent or disrupted protein product. Loss-of-function variants in PTCH1 are known to be pathogenic (PMID: 16301862, 16419085). This variant is not present in population databases (gnomAD no frequency). This premature translational stop signal has been observed in individual(s) with basal cell nevus syndrome, also known as Gorlin syndrome (PMID: 16301862, 29498494, 29575684). ClinVar contains an entry for this variant (Variation ID: 409150). For these reasons, this variant has been classified as Pathogenic.

Blueprint Genetics
Classification: Pathogenic for PTCH1-related disorders. Last evaluated: 2022-08-16. Review status: criteria provided, single submitter. Criteria: ACMG Guidelines, 2015. Collection method: clinical testing. Allele origin: germline. Affected: yes. Observed: 3 variant alleles.

Ambry Genetics
Classification: Pathogenic for Hereditary cancer-predisposing syndrome. Last evaluated: 2014-11-06. Review status: criteria provided, single submitter. Criteria: Ambry Variant Classification Scheme 2023. Collection method: clinical testing. Allele origin: germline.
Comment: The c.3364_3365delAT pathogenic mutation, located in coding exon 20 of the PTCH1 gene, results from a deletion of 2 nucleotides between positions 3364 and 3365, causing a translational frameshift with a predicted alternate stop codon. Since frameshifts are typically deleterious in nature, this alteration is interpreted as a disease-causing mutation (ACMG Recommendations for Standards for Interpretation and Reporting of Sequence Variations. Revision 2007. Genet Med. 2008;10:294).

Literature cited by the submitters: PubMed 16301862 (cited by Labcorp Genetics (formerly Invitae), Labcorp); PubMed 16419085 (cited by Labcorp Genetics (formerly Invitae), Labcorp); PubMed 29498494 (cited by Labcorp Genetics (formerly Invitae), Labcorp); PubMed 29575684 (cited by Labcorp Genetics (formerly Invitae), Labcorp); PubMed 8981943 (cited by Ambry Genetics).

NM_000264.5(PTCH1):c.3364_3365del (p.Met1122fs)

Gene: PTCH1 (patched 1; minus strand). Cytogenetic location: 9q22.32.
Variant type: Deletion.
Coding change: c.3364_3365del on transcript NM_000264.5 (MANE Select); coding-DNA positions 3364 to 3365, 2 bases deleted (AT; older notation c.3364_3365delAT).
Protein change: p.Met1122fs; shifts the reading frame from methionine 1122.
Molecular consequence: frameshift variant. On other transcripts: non-coding transcript variant (1).
Genome position (GRCh38, 1-based): chr9:95,453,562-95,453,563, AT deleted on the plus strand (AT on the coding strand, the reverse complement: PTCH1 is on the minus strand). VCF-style (leftmost placement, unchanged base first): chr9-95453561-CAT-C. GRCh37 (hg19) VCF-style: chr9-98215843-CAT-C.
Other names: c.3166_3167del, p.Met1056fs (NM_001083602.3); c.3361_3362del, p.Met1121fs (NM_001083603.3); c.2911_2912del, p.Met971fs (NM_001083604.3, NM_001083605.3, NM_001083606.3 and 1 more transcripts); c.3208_3209del, p.Met1070fs (NM_001354918.2); short protein forms M1056fs, M1121fs, M1070fs, M1122fs, M971fs.
Identifiers: ClinVar variation 409150 (VCV000409150.14), dbSNP rs1060502273, ClinGen allele CA16612827.